The following is an entry in ClinVar:

NM_006306.4(SMC1A):c.411+3G>T

Gene: SMC1A (structural maintenance of chromosomes 1A; minus strand). Cytogenetic location: Xp11.22.
Variant type: single nucleotide variant.
Coding change: c.411+3G>T on transcript NM_006306.4 (MANE Select); 3 bases into the intron after coding-DNA position 411, G replaced by T.
Molecular consequence: intron variant.
Genome position (GRCh38, 1-based): chrX:53,414,755, C>A on the plus strand (G>T on the coding strand, the complement: SMC1A is on the minus strand). VCF-style: chrX-53414755-C-A. GRCh37 (hg19) VCF-style: chrX-53441704-C-A.
Other names: c.345+3G>T (NM_001281463.1).
Identifiers: ClinVar variation 4718402 (VCV004718402.1).
Genomic context (GRCh38, chrX:53,414,755, plus strand): 5'-AGAGTGGGGATGGGACATGGTCTGGCAAAAACCAGATAGCCAATAACTGTTAAAAACGCC[C>A]ACCTGGAAAACGAGGAAGTTACGAGCTTTGATGAGAATGCCCAACTTCTCTAATTCCTCA-3'

ClinVar aggregate classification (germline): Uncertain significance (1 of 4 stars; one submission).

Conditions:
Congenital muscular hypertrophy-cerebral syndrome (CDLS2). Also called: SMC1A-Related Cornelia de Lange Syndrome; Cornelia de Lange syndrome 2. Identifiers: Orphanet 199, MedGen C1802395, MONDO:0010370, OMIM 300590.

Submission:

Labcorp Genetics (formerly Invitae), Labcorp
Classification: Uncertain significance for Congenital muscular hypertrophy-cerebral syndrome. Last evaluated: 2025-04-27. Review status: criteria provided, single submitter. Criteria: Invitae Variant Classification Sherloc (09022015). Collection method: clinical testing. Allele origin: germline.
Comment: This sequence change falls in intron 3 of the SMC1A gene. It does not directly change the encoded amino acid sequence of the SMC1A protein. It affects a nucleotide within the consensus splice site. This variant is not present in population databases (gnomAD no frequency). This variant has not been reported in the literature in individuals affected with SMC1A-related conditions. Variants that disrupt the consensus splice site are a relatively common cause of aberrant splicing (PMID: 17576681, 9536098). Algorithms developed to predict the effect of sequence changes on RNA splicing suggest that this variant is not likely to affect RNA splicing. In summary, the available evidence is currently insufficient to determine the role of this variant in disease. Therefore, it has been classified as a Variant of Uncertain Significance.

Literature cited by the submitters: PubMed 17576681; PubMed 9536098.